The following is an entry in ClinVar:

ClinVar aggregate classification (germline): Benign. Review status: criteria provided, multiple submitters, no conflicts (2 of 4 stars). 2 submissions from 2 submitters: Benign (2). Last evaluated 2018-06-15.

Allele frequency attached by ClinVar (database versions not stated): 1000 Genomes Project 0.24441; 1000 Genomes Project 30x 0.24688; TOPMed 0.31583; gnomAD 0.34157.

Submissions (2):

GeneDx
Classification: Benign. Last evaluated: 2018-06-15. Review status: criteria provided, single submitter. Criteria: GeneDx Variant Classification (06012015). Collection method: clinical testing. Allele origin: germline. Affected: yes.
Comment: This variant is considered likely benign or benign based on one or more of the following criteria: it is a conservative change, it occurs at a poorly conserved position in the protein, it is predicted to be benign by multiple in silico algorithms, and/or has population frequency not consistent with disease.

Breakthrough Genomics
Classification: Benign. Review status: criteria provided, single submitter. Criteria: ACMG Guidelines, 2015. Collection method: not provided. Allele origin: germline. Inheritance: Autosomal dominant inheritance. Affected: yes.

NM_001035.3(RYR2):c.11403-143C>A

Gene: RYR2 (ryanodine receptor 2; plus strand). Cytogenetic location: 1q43.
Variant type: single nucleotide variant.
Coding change: c.11403-143C>A on transcript NM_001035.3 (MANE Select); 143 bases into the intron before coding-DNA position 11403, C replaced by A.
Molecular consequence: intron variant.
Genome position (GRCh38, 1-based): chr1:237,760,812, C>A. VCF-style: chr1-237760812-C-A. GRCh37 (hg19) VCF-style: chr1-237924112-C-A.
Identifiers: ClinVar variation 671779 (VCV000671779.2), dbSNP rs2056387, ClinGen allele CA10869009.